The following is an entry in ClinVar:

ClinVar aggregate classification (germline): Uncertain significance (1 of 4 stars; one submission).

Conditions:
PLXNA1-related disorder. Also called: PLXNA1-related condition.

gnomAD v4.1: 9 of 1,613,106 alleles (0.00056%); highest among the groups gnomAD compares: Middle Eastern, 0.016%; no homozygotes.

Submission:

PreventionGenetics, part of Exact Sciences
Classification: Uncertain significance for PLXNA1-related condition. Last evaluated: 2024-12-23. Review status: criteria provided, single submitter. Criteria: ACMG Guidelines, 2015. Collection method: clinical testing. Allele origin: germline.
Comment: The PLXNA1 c.224C>T variant is predicted to result in the amino acid substitution p.Ser75Leu. To our knowledge, this variant has not been reported in the literature. This variant is reported in 0.0062% of alleles in individuals of African descent in gnomAD. At this time, the clinical significance of this variant is uncertain due to the absence of conclusive functional and genetic evidence.

NM_032242.4(PLXNA1):c.224C>T (p.Ser75Leu)

Gene: PLXNA1 (plexin A1; plus strand). Cytogenetic location: 3q21.3.
Variant type: single nucleotide variant.
Coding change: c.224C>T on transcript NM_032242.4 (MANE Select); coding-DNA position 224, C replaced by T.
Protein change: p.Ser75Leu; replaces serine 75 with leucine.
Molecular consequence: missense variant.
Genome position (GRCh38, 1-based): chr3:126,988,817, C>T. VCF-style: chr3-126988817-C-T. GRCh37 (hg19) VCF-style: chr3-126707660-C-T.
Other names: short protein forms S75L.
Identifiers: ClinVar variation 4977403 (VCV004977403.1).